The following is an entry in ClinVar:

ClinVar aggregate classification (germline): Pathogenic (1 of 4 stars; one submission).

Submission:

Labcorp Genetics (formerly Invitae), Labcorp
Classification: Pathogenic. Last evaluated: 2025-12-03. Review status: criteria provided, single submitter. Criteria: Invitae Variant Classification Sherloc (09022015). Collection method: clinical testing. Allele origin: germline.
Comment: This sequence change creates a premature translational stop signal (p.Gln741Argfs*14) in the COL9A1 gene. It is expected to result in an absent or disrupted protein product. Loss-of-function variants in COL9A1 are known to be pathogenic (PMID: 16909383, 21421862). This variant is present in population databases (rs765737002, gnomAD 0.002%). This variant has not been reported in the literature in individuals affected with COL9A1-related conditions. For these reasons, this variant has been classified as Pathogenic.

Literature cited by the submitters: PubMed 16909383; PubMed 21421862.

NM_001851.6(COL9A1):c.2222_2223del (p.Gln741fs)

Gene: COL9A1 (collagen type IX alpha 1 chain; minus strand). Cytogenetic location: 6q13.
Variant type: Deletion.
Coding change: c.2222_2223del on transcript NM_001851.6 (MANE Select); coding-DNA positions 2222 to 2223, 2 bases deleted (AG; older notation c.2222_2223delAG).
Protein change: p.Gln741fs; shifts the reading frame from glutamine 741.
Molecular consequence: frameshift variant. On other transcripts: non-coding transcript variant (1), intron variant (1).
Genome position (GRCh38, 1-based): chr6:70,234,830-70,234,831, CT deleted on the plus strand (AG on the coding strand, the reverse complement: COL9A1 is on the minus strand). VCF-style (leftmost placement, unchanged base first): chr6-70234829-CCT-C. GRCh37 (hg19) VCF-style: chr6-70944532-CCT-C.
Other names: c.1523_1524del, p.Gln508fs (NM_001377289.1); c.1493_1494del, p.Gln498fs (NM_078485.4); c.1384-238_1384-237del (NM_001377290.1); short protein forms Q498fs, Q508fs, Q741fs.
Identifiers: ClinVar variation 4807462 (VCV004807462.1).